The following is an entry in ClinVar:

ClinVar aggregate classification (germline): Pathogenic (1 of 4 stars; one submission).

Conditions:
Bardet-Biedl syndrome (BBS). Identifiers: Orphanet 110, MedGen C0752166, MONDO:0015229.

Submission:

Labcorp Genetics (formerly Invitae), Labcorp
Classification: Pathogenic for Bardet-Biedl syndrome. Last evaluated: 2017-03-04. Review status: criteria provided, single submitter. Criteria: Invitae Variant Classification Sherloc (09022015). Collection method: clinical testing. Allele origin: germline.
Comment: For these reasons, this variant has been classified as Pathogenic. A different truncation downstream of this variant (p.Cys91Leufs*5) has been determined to be pathogenic (PMID: 16582908, 20805367, 24746959, 24400638). This suggests that deletion of this region of the BBS10 protein is causative of disease. While this particular variant has not been reported in the literature, loss-of-function variants in BBS10 are known to be pathogenic (PMID: 16582908). This sequence change deletes 5 nucleotides from exon 2 of the BBS10 mRNA (c.257_261delTTATT), causing a frameshift at codon 86. This creates a premature translational stop signal in the last exon of the BBS10 mRNA (p.Phe86Tyrfs*8). While this is not anticipated to result in nonsense mediated decay, it is expected to disrupt and delete the last 638 amino acids of the BBS10 protein.

Literature cited by the submitters: PubMed 16582908; PubMed 20805367; PubMed 24746959; PubMed 24400638.

NM_024685.4(BBS10):c.257_261del (p.Phe86fs)

Gene: BBS10 (Bardet-Biedl syndrome 10; minus strand). Cytogenetic location: 12q21.2.
Variant type: Deletion.
Coding change: c.257_261del on transcript NM_024685.4 (MANE Select); coding-DNA positions 257 to 261, 5 bases deleted (TTATT; older notation c.257_261delTTATT).
Protein change: p.Phe86fs; shifts the reading frame from phenylalanine 86.
Molecular consequence: frameshift variant.
Genome position (GRCh38, 1-based): chr12:76,347,724-76,347,728, AATAA deleted on the plus strand (TTATT on the coding strand, the reverse complement: BBS10 is on the minus strand); deleting any 5 consecutive bases within chr12:76,347,724-76,347,729 gives the same sequence; the c. name uses the placement nearest the transcript's 3' end. VCF-style (leftmost placement, unchanged base first): chr12-76347723-TAATAA-T. GRCh37 (hg19) VCF-style: chr12-76741503-TAATAA-T.
Other names: c.257_261del, p.Phe86fs (LRG_1255t1); short protein forms F86fs.
Identifiers: ClinVar variation 406219 (VCV000406219.8), dbSNP rs1060500996, ClinGen allele CA16614066.